The following is an entry in ClinVar:

NM_002160.4(TNC):c.6527A>G (p.Glu2176Gly)

Gene: TNC (tenascin C; minus strand). Cytogenetic location: 9q33.1.
Variant type: single nucleotide variant.
Coding change: c.6527A>G on transcript NM_002160.4 (MANE Select); coding-DNA position 6527, A replaced by G.
Protein change: p.Glu2176Gly; replaces glutamic acid 2176 with glycine.
Molecular consequence: missense variant.
Genome position (GRCh38, 1-based): chr9:115,021,236, T>C on the plus strand (A>G on the coding strand, the complement: TNC is on the minus strand). VCF-style: chr9-115021236-T-C. GRCh37 (hg19) VCF-style: chr9-117783515-T-C.
Other names: c.6527A>G (NM_002160.3); c.5981A>G, p.Glu1994Gly (NM_001410991.1); short protein forms E1994G, E2176G.
Identifiers: ClinVar variation 2437126 (VCV002437126.5), dbSNP rs1829040148, ClinGen allele CA374622678.

ClinVar aggregate classification (germline): Uncertain significance. Review status: criteria provided, single submitter (1 of 4 stars). 2 submissions from 2 submitters: Uncertain significance (1). 1 of the submissions does not count toward it. Last evaluated 2022-04-08.

Conditions:
TNC-related disorder. Also called: TNC-related condition.
Autosomal dominant nonsyndromic hearing loss 56. Also called: Deafness, autosomal dominant 56. Identifiers: Orphanet 90635, MedGen C3810170, MONDO:0014283, OMIM 615629.

Allele frequency attached by ClinVar (database versions not stated): TOPMed 0.00001.

Submissions (2):

Revvity Omics, Revvity
Classification: Uncertain significance for Autosomal dominant nonsyndromic hearing loss 56. Last evaluated: 2022-04-08. Review status: criteria provided, single submitter. Criteria: ACMG Guidelines, 2015. Collection method: clinical testing. Allele origin: germline.

PreventionGenetics, part of Exact Sciences
Classification: Uncertain significance for TNC-related condition. Last evaluated: 2024-02-19. Review status: no assertion criteria provided. Collection method: clinical testing. Allele origin: germline. Not counted in ClinVar's aggregate classification.
Comment: The TNC c.6527A>G variant is predicted to result in the amino acid substitution p.Glu2176Gly. To our knowledge, this variant has not been reported in the literature or in a large population database, indicating this variant is rare. At this time, the clinical significance of this variant is uncertain due to the absence of conclusive functional and genetic evidence.